The following is an entry in ClinVar:

NM_000127.3(EXT1):c.1404C>G (p.Tyr468Ter)

Gene: EXT1 (exostosin glycosyltransferase 1; minus strand). Cytogenetic location: 8q24.11.
Variant type: single nucleotide variant.
Coding change: c.1404C>G on transcript NM_000127.3 (MANE Select); coding-DNA position 1404, C replaced by G.
Protein change: p.Tyr468Ter; replaces tyrosine 468 with a stop codon.
Molecular consequence: nonsense.
Genome position (GRCh38, 1-based): chr8:117,822,478, G>C on the plus strand (C>G on the coding strand, the complement: EXT1 is on the minus strand). VCF-style: chr8-117822478-G-C. GRCh37 (hg19) VCF-style: chr8-118834717-G-C.
Other names: short protein forms Y468*.
Identifiers: ClinVar variation 952253 (VCV000952253.9), dbSNP rs1811940837, ClinGen allele CA371887116.
Genomic context (GRCh38, chr8:117,822,478, plus strand): 5'-CATCTTCAGGGTAAACAAGGGCAACTCCCTGGAGGAAATTCACTTACCTAAATTAGCATA[G>C]TAGTAAGGAAAATCTCCCAGATAAGATGAATACTGTGGTAGTACGAACAATCCTCCAGGA-3'

ClinVar aggregate classification (germline): Pathogenic (1 of 4 stars; one submission).

Conditions:
Multiple congenital exostosis (EXT). Also called: MULTIPLE CARTILAGINOUS EXOSTOSES; Multiple exostoses; Hereditary multiple exostoses; Hereditary multiple exostosis; Multiple osteochondromas; Hereditary multiple osteochondromas. Identifiers: Orphanet 321, MedGen C0015306, MONDO:0005508, HP:0002762.

Submission:

Labcorp Genetics (formerly Invitae), Labcorp
Classification: Pathogenic for Multiple congenital exostosis. Last evaluated: 2024-05-13. Review status: criteria provided, single submitter. Criteria: Invitae Variant Classification Sherloc (09022015). Collection method: clinical testing. Allele origin: germline.
Comment: This sequence change creates a premature translational stop signal (p.Tyr468*) in the EXT1 gene. It is expected to result in an absent or disrupted protein product. Loss-of-function variants in EXT1 are known to be pathogenic (PMID: 10679937, 11391482, 19810120). This variant is not present in population databases (gnomAD no frequency). This premature translational stop signal has been observed in individual(s) with multiple osteochondromas (PMID: 12490068, 18976157). ClinVar contains an entry for this variant (Variation ID: 952253). For these reasons, this variant has been classified as Pathogenic.

Literature cited by the submitters: PubMed 10679937; PubMed 11391482; PubMed 19810120; PubMed 12490068; PubMed 18976157.